The following is an entry in ClinVar:

NM_014822.4(SEC24D):c.2055_2056insTATT (p.Gly686fs)

Gene: SEC24D (SEC24 homolog D, COPII component; minus strand). Cytogenetic location: 4q26.
Variant type: Insertion.
Coding change: c.2055_2056insTATT on transcript NM_014822.4 (MANE Select); coding-DNA positions 2055 to 2056, TATT inserted.
Protein change: p.Gly686fs; shifts the reading frame from glycine 686.
Molecular consequence: frameshift variant.
Genome position: GRCh38 VCF-style: chr4-118740977-C-CAATA. GRCh37 (hg19) VCF-style: chr4-119662132-C-CAATA.
Other names: c.2058_2059insTATT, p.Gly687fs (NM_001318066.2); short protein forms G686fs, G687fs.
Identifiers: ClinVar variation 1974109 (VCV001974109.5), dbSNP rs2530076755, ClinGen allele CA2580071406.
Genomic context (GRCh38, chr4:118,740,977, plus strand): 5'-AAGAATTGTATAAATGATAATTACCTGTGCTGGTACGAACCCTCATAATAGCATCAAAGC[C>CAATA]TATTTTCTTTTCAATATCATTTCTGAGGTCGTTCAAAAATTGTTGTCTATCCAAGTGCAT-3'

ClinVar aggregate classification (germline): Pathogenic (1 of 4 stars; one submission).

Allele frequency attached by ClinVar (database versions not stated): gnomAD exomes below 0.00001.

Submission:

Labcorp Genetics (formerly Invitae), Labcorp
Classification: Pathogenic. Last evaluated: 2023-08-04. Review status: criteria provided, single submitter. Criteria: Invitae Variant Classification Sherloc (09022015). Collection method: clinical testing. Allele origin: germline.
Comment: ClinVar contains an entry for this variant (Variation ID: 1974109). This sequence change creates a premature translational stop signal (p.Gly686Tyrfs*4) in the SEC24D gene. It is expected to result in an absent or disrupted protein product. Loss-of-function variants in SEC24D are known to be pathogenic (PMID: 25683121, 30462379). This variant is not present in population databases (gnomAD no frequency). This variant has not been reported in the literature in individuals affected with SEC24D-related conditions. For these reasons, this variant has been classified as Pathogenic.

Literature cited by the submitters: PubMed 25683121; PubMed 30462379.